The following is an entry in ClinVar:

ClinVar aggregate classification (germline): Uncertain significance (1 of 4 stars; one submission).

Submission:

Labcorp Genetics (formerly Invitae), Labcorp
Classification: Uncertain significance. Last evaluated: 2025-04-20. Review status: criteria provided, single submitter. Criteria: Invitae Variant Classification Sherloc (09022015). Collection method: clinical testing. Allele origin: germline.
Comment: This sequence change creates a premature translational stop signal (p.Ser369Profs*3) in the APOA4 gene. While this is not anticipated to result in nonsense mediated decay, it is expected to disrupt the last 28 amino acid(s) of the APOA4 protein. This variant is present in population databases (rs776993334, gnomAD 0.0009%). This premature translational stop signal has been observed in individual(s) with APOA4-related conditions (PMID: 36325899). In summary, the available evidence is currently insufficient to determine the role of this variant in disease. Therefore, it has been classified as a Variant of Uncertain Significance.

Literature cited by the submitters: PubMed 36325899.

NM_000482.4(APOA4):c.1105_1106del (p.Ser369fs)

Gene: APOA4 (apolipoprotein A4; minus strand). Cytogenetic location: 11q23.3.
Variant type: Microsatellite.
Coding change: c.1105_1106del on transcript NM_000482.4 (MANE Select); coding-DNA positions 1105 to 1106, 2 bases deleted (TC; older notation c.1105_1106delTC).
Protein change: p.Ser369fs; shifts the reading frame from serine 369.
Molecular consequence: frameshift variant.
Genome position (GRCh38, 1-based): chr11:116,820,952-116,820,953, GA deleted on the plus strand (TC on the coding strand, the reverse complement: APOA4 is on the minus strand); deleting any 2 consecutive bases within chr11:116,820,952-116,820,958 gives the same sequence; the c. name uses the placement nearest the transcript's 3' end. VCF-style (leftmost placement, unchanged base first): chr11-116820951-GGA-G. GRCh37 (hg19) VCF-style: chr11-116691667-GGA-G.
Other names: short protein forms S369fs.
Identifiers: ClinVar variation 4777040 (VCV004777040.1).